The following is an entry in ClinVar:

Conditions:
Long QT syndrome 5 (LQT5). Identifiers: Orphanet 101016, Orphanet 768, MedGen C1867904, MONDO:0013372, OMIM 613695.

Submission:

Roden Lab, Vanderbilt University Medical Center
No classification provided (evidence only). Condition: Long QT syndrome 5. Review status: no classification provided. Collection method: in vitro. Allele origin: not applicable. Functional consequence: Effect on ion channel function.
ClinVar note: "not provided" was previously submitted as the classification for the variant. However, the classification appeared to be based only on an observation of functional data so it was converted to no classification on 2025-07-30.

NM_000219.6(KCNE1):c.209A>G (p.Lys70Arg)

Gene: KCNE1 (potassium voltage-gated channel subfamily E regulatory subunit 1; minus strand). Cytogenetic location: 21q22.12.
Variant type: single nucleotide variant.
Coding change: c.209A>G on transcript NM_000219.6 (MANE Select); coding-DNA position 209, A replaced by G.
Protein change: p.Lys70Arg; replaces lysine 70 with arginine.
Molecular consequence: missense variant.
Genome position (GRCh38, 1-based): chr21:34,449,426, T>C on the plus strand (A>G on the coding strand, the complement: KCNE1 is on the minus strand). VCF-style: chr21-34449426-T-C. GRCh37 (hg19) VCF-style: chr21-35821724-T-C.
Other names: c.209A>G, p.Lys70Arg (NM_001127668.4, NM_001127669.4, NM_001127670.4 and 4 more transcripts); short protein forms K70R.
Identifiers: ClinVar variation 3374335 (VCV003374335.2).